The following is an entry in ClinVar:

NM_000548.5(TSC2):c.2701C>T (p.Arg901Cys)

Gene: TSC2 (TSC complex subunit 2; plus strand). Cytogenetic location: 16p13.3.
Variant type: single nucleotide variant.
Coding change: c.2701C>T on transcript NM_000548.5 (MANE Select); coding-DNA position 2701, C replaced by T.
Protein change: p.Arg901Cys; replaces arginine 901 with cysteine.
Molecular consequence: missense variant.
Genome position (GRCh38, 1-based): chr16:2,076,129, C>T. VCF-style: chr16-2076129-C-T. GRCh37 (hg19) VCF-style: chr16-2126130-C-T.
Other names: c.2701C>T (NM_000548.4); c.2701C>T, p.Arg901Cys (NM_001077183.3, NM_001114382.3, NM_001363528.2 and 3 more transcripts); c.2590C>T, p.Arg864Cys (NM_001318827.2); c.2554C>T, p.Arg852Cys (NM_001318829.2); c.2101C>T, p.Arg701Cys (NM_001318831.2); c.2734C>T, p.Arg912Cys (NM_001318832.2); short protein forms R901C, R864C, R912C, R701C, R852C.
Identifiers: ClinVar variation 207783 (VCV000207783.44), dbSNP rs796053512, ClinGen allele CA319592.

ClinVar aggregate classification (germline): Conflicting classifications of pathogenicity. Review status: criteria provided, conflicting classifications (1 of 4 stars). 7 submissions from 7 submitters: Uncertain significance (3); Benign (1); Likely benign (3). Last evaluated 2026-01-07.

Conditions:
TSC2-related disorder. Also called: TSC2-Related Disorders; TSC2-related condition.
Hereditary cancer-predisposing syndrome. Also called: Tumor predisposition; Neoplastic Syndromes, Hereditary; Hereditary Cancer Syndrome; Hereditary neoplastic syndrome. Identifiers: Orphanet 140162, MedGen C0027672, MeSH D009386, MONDO:0015356.
Tuberous sclerosis 2 (TSC2). Identifiers: Orphanet 805, MedGen C1860707, MONDO:0013199, OMIM 613254.

Allele frequency attached by ClinVar (database versions not stated): gnomAD 0.00001; TOPMed 0.00001; gnomAD exomes 0.00002 and 0.00004.
gnomAD v4.1: 51 of 1,613,760 alleles (0.0032%); highest among the groups gnomAD compares: Non-Finnish European, 0.0042%; no homozygotes.

Submissions (7):

Labcorp Genetics (formerly Invitae), Labcorp
Classification: Benign for Tuberous sclerosis 2. Last evaluated: 2026-01-07. Review status: criteria provided, single submitter. Criteria: Invitae Variant Classification Sherloc (09022015). Collection method: clinical testing. Allele origin: germline.

PreventionGenetics, part of Exact Sciences
Classification: Likely benign for TSC2-related condition. Last evaluated: 2026-01-06. Review status: criteria provided, single submitter. Criteria: ACMG Guidelines, 2015. Collection method: clinical testing. Allele origin: germline.
Comment: This variant is classified as likely benign based on ACMG/AMP sequence variant interpretation guidelines (Richards et al. 2015 PMID: 25741868, with internal and published modifications).

Quest Diagnostics Nichols Institute San Juan Capistrano
Classification: Uncertain significance. Last evaluated: 2025-06-25. Review status: criteria provided, single submitter. Criteria: Quest Diagnostics criteria. Collection method: clinical testing. Allele origin: unknown.

CeGaT Center for Human Genetics Tuebingen
Classification: Uncertain significance. Last evaluated: 2024-02-01. Review status: criteria provided, single submitter. Criteria: CeGaT Center For Human Genetics Tuebingen Variant Classification Criteria Version 2. Collection method: clinical testing. Allele origin: germline. Affected: yes. Observed: 1 variant allele.
Comment: TSC2: PM1, PP3, PS3:Supporting

Genome-Nilou Lab
Classification: Likely benign for Tuberous sclerosis 2. Last evaluated: 2021-11-07. Review status: criteria provided, single submitter. Criteria: ACMG Guidelines, 2015. Collection method: clinical testing. Allele origin: germline. Affected: no.

Ambry Genetics
Classification: Likely benign for Hereditary cancer-predisposing syndrome. Last evaluated: 2020-12-14. Review status: criteria provided, single submitter. Criteria: Ambry Variant Classification Scheme 2023. Collection method: clinical testing. Allele origin: germline.

CENTOGENE GmbH and LLC - Guiding Precision Medicine
Classification: Uncertain significance for Tuberous sclerosis 2. Last evaluated: 2018-09-19. Review status: criteria provided, single submitter. Criteria: ACMG Guidelines, 2015. Collection method: clinical testing. Allele origin: germline. Affected: yes.